The following is an entry in ClinVar:

NM_001017995.3(SH3PXD2B):c.-142_-131dup

Gene: SH3PXD2B (SH3 and PX domains 2B; minus strand). Cytogenetic location: 5q35.1.
Variant type: Duplication.
Coding change: c.-142_-131dup on transcript NM_001017995.3 (MANE Select); 142 bases upstream of the start codon through 131 bases upstream of the start codon, 12 bases duplicated (TGGCGGCGGCGG).
Molecular consequence: 5 prime UTR variant.
Genome position (GRCh38, 1-based): chr5:172,454,483-172,454,494, CCGCCGCCGCCA duplicated on the plus strand (TGGCGGCGGCGG on the coding strand, the reverse complement: SH3PXD2B is on the minus strand); duplicating any 12 consecutive bases within chr5:172,454,483-172,454,505 gives the same sequence; the c. name uses the placement nearest the transcript's 3' end. VCF-style (leftmost placement, unchanged base first): chr5-172454482-G-GCCGCCGCCGCCA. GRCh37 (hg19) VCF-style: chr5-171881486-G-GCCGCCGCCGCCA.
Other names: c.-142_-131dup (NM_001308175.2).
Identifiers: ClinVar variation 2656078 (VCV002656078.24), dbSNP rs1438110934, ClinGen allele CA447824034.

ClinVar aggregate classification (germline): Benign (1 of 4 stars; one submission).

Submission:

CeGaT Center for Human Genetics Tuebingen
Classification: Benign. Last evaluated: 2023-06-01. Review status: criteria provided, single submitter. Criteria: CeGaT Center For Human Genetics Tuebingen Variant Classification Criteria Version 2. Collection method: clinical testing. Allele origin: germline. Affected: yes. Observed: 2 variant alleles.
Comment: SH3PXD2B: BS1, BS2